The following is an entry in ClinVar:

ClinVar aggregate classification (germline): Uncertain significance. Review status: criteria provided, multiple submitters, no conflicts (2 of 4 stars). 2 submissions from 2 submitters: Uncertain significance (2). Last evaluated 2023-12-07.

Conditions:
Inborn genetic diseases. Identifiers: MedGen C0950123, MeSH D030342.

Allele frequency attached by ClinVar (database versions not stated): TOPMed 0.00002; ExAC 0.00003; gnomAD 0.00003; ESP Exome Variant Server 0.00008.
gnomAD v4.1: 33 of 1,613,986 alleles (0.002%); highest among the groups gnomAD compares: South Asian, 0.0011%; no homozygotes.

Submissions (2):

Ambry Genetics
Classification: Uncertain significance for Inborn genetic diseases. Last evaluated: 2023-12-07. Review status: criteria provided, single submitter. Criteria: Ambry Variant Classification Scheme 2023. Collection method: clinical testing. Allele origin: germline.

Labcorp Genetics (formerly Invitae), Labcorp
Classification: Uncertain significance. Last evaluated: 2022-02-04. Review status: criteria provided, single submitter. Criteria: Invitae Variant Classification Sherloc (09022015). Collection method: clinical testing. Allele origin: germline.
Comment: In summary, the available evidence is currently insufficient to determine the role of this variant in disease. Therefore, it has been classified as a Variant of Uncertain Significance. Algorithms developed to predict the effect of sequence changes on RNA splicing suggest that this variant may create or strengthen a splice site. Algorithms developed to predict the effect of missense changes on protein structure and function (SIFT, PolyPhen-2, Align-GVGD) all suggest that this variant is likely to be tolerated. This variant has not been reported in the literature in individuals affected with KMT2E-related conditions. This variant is present in population databases (rs368847353, gnomAD 0.07%). This sequence change replaces threonine, which is neutral and polar, with serine, which is neutral and polar, at codon 901 of the KMT2E protein (p.Thr901Ser).

NM_182931.3(KMT2E):c.2702C>G (p.Thr901Ser)

Gene: KMT2E (lysine methyltransferase 2E (inactive); plus strand). Cytogenetic location: 7q22.3.
Variant type: single nucleotide variant.
Coding change: c.2702C>G on transcript NM_182931.3 (MANE Select); coding-DNA position 2702, C replaced by G.
Protein change: p.Thr901Ser; replaces threonine 901 with serine.
Molecular consequence: missense variant.
Genome position (GRCh38, 1-based): chr7:105,106,627, C>G. VCF-style: chr7-105106627-C-G. GRCh37 (hg19) VCF-style: chr7-104747074-C-G.
Other names: c.2702C>G, p.Thr901Ser (NM_001410908.1, NM_018682.4); c.2702C>G (NM_182931.2); short protein forms T901S.
Identifiers: ClinVar variation 2033739 (VCV002033739.5), dbSNP rs368847353, ClinGen allele CA4424289.